The following is an entry in ClinVar:

ClinVar aggregate classification (germline): Likely benign. Review status: criteria provided, multiple submitters, no conflicts (2 of 4 stars). 2 submissions from 2 submitters: Likely benign (2). Last evaluated 2026-01-02.

Conditions:
KMT2D-related disorder. Also called: KMT2D-Related Disorders.
Kabuki syndrome. Also called: Kabuki make-up syndrome; NIIKAWA-KUROKI SYNDROME. Identifiers: Orphanet 2322, MedGen C0796004, MONDO:0016512.

Allele frequency attached by ClinVar (database versions not stated): gnomAD exomes 0.00001; ExAC 0.00002.
gnomAD v4.1: 9 of 1,514,268 alleles (0.00059%); highest among the groups gnomAD compares: East Asian, 0.0023%; no homozygotes.

Submissions (2):

Labcorp Genetics (formerly Invitae), Labcorp
Classification: Likely benign for Kabuki syndrome. Last evaluated: 2026-01-02. Review status: criteria provided, single submitter. Criteria: Invitae Variant Classification Sherloc (09022015). Collection method: clinical testing. Allele origin: germline.

PreventionGenetics, part of Exact Sciences
Classification: Likely benign for KMT2D-related condition. Last evaluated: 2025-06-25. Review status: criteria provided, single submitter. Criteria: ACMG Guidelines, 2015. Collection method: clinical testing. Allele origin: germline.
Comment: This variant is classified as likely benign based on ACMG/AMP sequence variant interpretation guidelines (Richards et al. 2015 PMID: 25741868, with internal and published modifications).

NM_003482.4(KMT2D):c.2439G>A (p.Pro813=)

Gene: KMT2D (lysine methyltransferase 2D; minus strand). Cytogenetic location: 12q13.12.
Variant type: single nucleotide variant.
Coding change: c.2439G>A on transcript NM_003482.4 (MANE Select); coding-DNA position 2439, G replaced by A.
Protein change: p.Pro813=; no amino-acid change (proline 813 retained).
Molecular consequence: synonymous variant.
Genome position (GRCh38, 1-based): chr12:49,051,244, C>T on the plus strand (G>A on the coding strand, the complement: KMT2D is on the minus strand). VCF-style: chr12-49051244-C-T. GRCh37 (hg19) VCF-style: chr12-49445027-C-T.
Other names: c.2439G>A (NM_003482.3).
Identifiers: ClinVar variation 1100759 (VCV001100759.10), dbSNP rs762461790, ClinGen allele CA6548259.
Genomic context (GRCh38, chr12:49,051,244, plus strand): 5'-CAGGTGTGATTCCTCAGGTTGGGGGGACAAGCATGGCTCCTCAGGCACAGGAGACAGGTG[C>T]GGCTCCTCAGTCTGGGGGGACAGGTGCAATTCCTCAGGCTGAGGGGACAGATGTGGTCCC-3'
Protein context (NP_003473.3, residues 803-823): ELHLSPQTEE[Pro813=]HLSPVPEEPC